The following is an entry in ClinVar:

ClinVar aggregate classification (germline): Uncertain significance (1 of 4 stars; one submission).

Conditions:
Hereditary cancer-predisposing syndrome. Also called: Neoplastic Syndromes, Hereditary; Tumor predisposition; Hereditary Cancer Syndrome; Hereditary neoplastic syndrome. Identifiers: Orphanet 140162, MedGen C0027672, MeSH D009386, MONDO:0015356.

gnomAD v4.1: 1 of 1,613,750 alleles (0.000062%); highest among the groups gnomAD compares: South Asian, 0.0011%; no homozygotes.

Submission:

Ambry Genetics
Classification: Uncertain significance for Hereditary cancer-predisposing syndrome. Last evaluated: 2026-02-28. Review status: criteria provided, single submitter. Criteria: Ambry Variant Classification Scheme 2023. Collection method: clinical testing. Allele origin: germline.
Comment: The p.T425I variant (also known as c.1274C>T), located in coding exon 11 of the MRE11A gene, results from a C to T substitution at nucleotide position 1274. The threonine at codon 425 is replaced by isoleucine, an amino acid with similar properties. This amino acid position is conserved. In addition, this alteration is predicted to be tolerated by in silico analysis. Based on the available evidence, the clinical significance of this variant remains unclear.

NM_005591.4(MRE11):c.1274C>T (p.Thr425Ile)

Gene: MRE11 (MRE11 double strand break repair nuclease; minus strand). Cytogenetic location: 11q21.
Variant type: single nucleotide variant.
Coding change: c.1274C>T on transcript NM_005591.4 (MANE Select); coding-DNA position 1274, C replaced by T.
Protein change: p.Thr425Ile; replaces threonine 425 with isoleucine.
Molecular consequence: missense variant.
Genome position (GRCh38, 1-based): chr11:94,460,988, G>A on the plus strand (C>T on the coding strand, the complement: MRE11 is on the minus strand). VCF-style: chr11-94460988-G-A. GRCh37 (hg19) VCF-style: chr11-94194154-G-A.
Other names: c.1274C>T, p.Thr425Ile (NM_001330347.2, NM_001440460.1, NM_005590.4 and 15 more transcripts); c.929C>T, p.Thr310Ile (NM_001440482.1, NM_001440483.1, NM_001440484.1); c.806C>T, p.Thr269Ile (NM_001440485.1, NM_001440486.1, NM_001440487.1); c.1199C>T, p.Thr400Ile (NM_001440471.1, NM_001440472.1, NM_001440479.1); c.1193C>T, p.Thr398Ile (NM_001440473.1, NM_001440477.1, NM_001440478.1); short protein forms T269I, T400I, T310I, T398I, T425I.
Identifiers: ClinVar variation 4826830 (VCV004826830.1).